The following is an entry in ClinVar:

ClinVar aggregate classification (germline): Likely benign (0 of 4 stars; one submission).

Conditions:
MECOM-related disorder. Also called: MECOM-related condition.

Allele frequency attached by ClinVar (database versions not stated): gnomAD exomes 0.00001; TOPMed 0.00001; ExAC 0.00002; gnomAD 0.00002.
gnomAD v4.1: 18 of 1,613,614 alleles (0.0011%); highest among the groups gnomAD compares: Non-Finnish European, 0.0015%; no homozygotes.

Submission:

PreventionGenetics, part of Exact Sciences
Classification: Likely benign for MECOM-related condition. Last evaluated: 2024-01-16. Review status: no assertion criteria provided. Collection method: clinical testing. Allele origin: germline.
Comment: This variant is classified as likely benign based on ACMG/AMP sequence variant interpretation guidelines (Richards et al. 2015 PMID: 25741868, with internal and published modifications).

NM_004991.4(MECOM):c.288C>T (p.Thr96=)

Gene: MECOM (MDS1 and EVI1 complex locus; minus strand). Cytogenetic location: 3q26.2.
Variant type: single nucleotide variant.
Coding change: c.288C>T on transcript NM_004991.4 (MANE Select); coding-DNA position 288, C replaced by T.
Protein change: p.Thr96=; no amino-acid change (threonine 96 retained).
Molecular consequence: synonymous variant. On other transcripts: intron variant (1).
Genome position (GRCh38, 1-based): chr3:169,381,274, G>A on the plus strand (C>T on the coding strand, the complement: MECOM is on the minus strand). VCF-style: chr3-169381274-G-A. GRCh37 (hg19) VCF-style: chr3-169099062-G-A.
Other names: c.288C>T, p.Thr96= (NM_001366466.2, NM_001366473.2); c.-189-237442C>T (NM_001205194.2).
Identifiers: ClinVar variation 3044816 (VCV003044816.2), dbSNP rs769464859, ClinGen allele CA2696692.